The following is an entry in ClinVar:

NM_000360.4(TH):c.676G>A (p.Ala226Thr)

Gene: TH (tyrosine hydroxylase; minus strand). Cytogenetic location: 11p15.5.
Variant type: single nucleotide variant.
Coding change: c.676G>A on transcript NM_000360.4 (MANE Select); coding-DNA position 676, G replaced by A.
Protein change: p.Ala226Thr; replaces alanine 226 with threonine.
Molecular consequence: missense variant.
Genome position (GRCh38, 1-based): chr11:2,167,454, C>T on the plus strand (G>A on the coding strand, the complement: TH is on the minus strand). VCF-style: chr11-2167454-C-T. GRCh37 (hg19) VCF-style: chr11-2188684-C-T.
Other names: c.769G>A (NM_199292.2); c.769G>A, p.Ala257Thr (NM_199292.3); c.757G>A, p.Ala253Thr (NM_199293.3); short protein forms A226T, A257T, A253T.
Identifiers: ClinVar variation 304076 (VCV000304076.12), dbSNP rs549188961, ClinGen allele CA5818541.

ClinVar aggregate classification (germline): Uncertain significance. Review status: criteria provided, multiple submitters, no conflicts (2 of 4 stars). 4 submissions from 4 submitters: Uncertain significance (4). Last evaluated 2024-08-07.

Conditions:
TH-deficient dopa-responsive dystonia. Also called: DYT-TH; Segawa syndrome, autosomal recessive; Tyrosine Hydroxylase-Deficient Dopa-Responsive Dystonia. Identifiers: Orphanet 101150, MedGen C2673535, MONDO:0011551, OMIM 605407.

Allele frequency attached by ClinVar (database versions not stated): TOPMed below 0.00001; 1000 Genomes Project 0.00040; 1000 Genomes Project 30x 0.00047; gnomAD exomes 0.00001 and 0.00006; gnomAD 0.00003 and 0.00001; ExAC 0.00009.

Submissions (4):

GeneDx
Classification: Uncertain significance. Last evaluated: 2024-08-07. Review status: criteria provided, single submitter. Criteria: GeneDx Variant Classification Process June 2021. Collection method: clinical testing. Allele origin: germline. Affected: yes.
Comment: In silico analysis indicates that this missense variant does not alter protein structure/function; Has not been previously published as pathogenic or benign to our knowledge

Labcorp Genetics (formerly Invitae), Labcorp
Classification: Uncertain significance for TH-deficient dopa-responsive dystonia. Last evaluated: 2024-06-26. Review status: criteria provided, single submitter. Criteria: Invitae Variant Classification Sherloc (09022015). Collection method: clinical testing. Allele origin: germline.
Comment: This sequence change replaces alanine, which is neutral and non-polar, with threonine, which is neutral and polar, at codon 257 of the TH protein (p.Ala257Thr). The frequency data for this variant in the population databases is considered unreliable, as metrics indicate poor data quality at this position in the gnomAD database. This variant has not been reported in the literature in individuals affected with TH-related conditions. ClinVar contains an entry for this variant (Variation ID: 304076). Advanced modeling of protein sequence and biophysical properties (such as structural, functional, and spatial information, amino acid conservation, physicochemical variation, residue mobility, and thermodynamic stability) has been performed at Invitae for this missense variant, however the output from this modeling did not meet the statistical confidence thresholds required to predict the impact of this variant on TH protein function. In summary, the available evidence is currently insufficient to determine the role of this variant in disease. Therefore, it has been classified as a Variant of Uncertain Significance.

Revvity Omics, Revvity
Classification: Uncertain significance for TH-deficient dopa-responsive dystonia. Last evaluated: 2024-06-09. Review status: criteria provided, single submitter. Criteria: ACMG Guidelines, 2015. Collection method: clinical testing. Allele origin: germline.

Illumina Laboratory Services, Illumina
Classification: Uncertain significance for TH-deficient dopa-responsive dystonia. Last evaluated: 2018-01-13. Review status: criteria provided, single submitter. Criteria: ICSL Variant Classification Criteria 13 December 2019. Collection method: clinical testing. Allele origin: germline.